The following is an entry in ClinVar:

NM_001195518.2(MICU1):c.491A>T (p.Glu164Val)

Gene: MICU1 (mitochondrial calcium uptake 1; minus strand). Cytogenetic location: 10q22.1.
Variant type: single nucleotide variant.
Coding change: c.491A>T on transcript NM_001195518.2 (MANE Select); coding-DNA position 491, A replaced by T.
Protein change: p.Glu164Val; replaces glutamic acid 164 with valine.
Molecular consequence: missense variant. On other transcripts: 5 prime UTR variant (3), non-coding transcript variant (3).
Genome position (GRCh38, 1-based): chr10:72,551,181, T>A on the plus strand (A>T on the coding strand, the complement: MICU1 is on the minus strand). VCF-style: chr10-72551181-T-A. GRCh37 (hg19) VCF-style: chr10-74310939-T-A.
Other names: c.491A>T, p.Glu164Val (NM_001363513.2, NM_001441218.1, NM_001441219.1 and 9 more transcripts); c.392A>T, p.Glu131Val (NM_001441226.1); c.158A>T, p.Glu53Val (NM_001441228.1); c.-259A>T (NM_001441230.1); c.-215A>T (NM_001441231.1); c.-79A>T (NM_001441233.1); short protein forms E131V, E164V, E53V.
Identifiers: ClinVar variation 4085529 (VCV004085529.8).
Genomic context (GRCh38, chr10:72,551,181, plus strand): 5'-CAAAGTAGCCTATAACAAAATAAATATCACAGTCTTATATTTCACTTTAGCAACTTACGT[T>A]CTGGTTGTTTTTCATTGGGTGTTATGGATCGCACAAAATCTTCTGGTGTCATAAACACTT-3'
Protein context (NP_001182447.1, residues 154-174): RSITPNEKQP[Glu164Val]HLGLDQYIIK

ClinVar aggregate classification (germline): Uncertain significance (1 of 4 stars; one submission).

Submission:

CeGaT Center for Human Genetics Tuebingen
Classification: Uncertain significance. Last evaluated: 2025-07-01. Review status: criteria provided, single submitter. Criteria: CeGaT Center For Human Genetics Tuebingen Variant Classification Criteria Version 2. Collection method: clinical testing. Allele origin: germline. Affected: yes. Observed: 1 variant allele.
Comment: MICU1: PM2, PP3